The following is an entry in ClinVar:

ClinVar aggregate classification (germline): Conflicting classifications of pathogenicity. Review status: criteria provided, conflicting classifications (1 of 4 stars). 3 submissions from 3 submitters: Uncertain significance (1); Likely benign (1). 1 of the submissions does not count toward it. Last evaluated 2025-01-23.

Conditions:
Fanconi anemia (FA). Also called: Fanconi's anemia. Identifiers: Orphanet 84, MedGen C0015625, MeSH D005199, MONDO:0019391.
Fanconi anemia complementation group A (FANCA). Also called: Fanconi anemia, group A; FANCA-Related Fanconi Anemia. Identifiers: Orphanet 84, MedGen C3469521, MONDO:0009215, OMIM 227650.

Submissions (3):

Labcorp Genetics (formerly Invitae), Labcorp
Classification: Likely benign for Fanconi anemia. Last evaluated: 2025-01-23. Review status: criteria provided, single submitter. Criteria: Invitae Variant Classification Sherloc (09022015). Collection method: clinical testing. Allele origin: germline.

Illumina Laboratory Services, Illumina
Classification: Uncertain significance for Fanconi anemia complementation group A. Last evaluated: 2018-01-13. Review status: criteria provided, single submitter. Criteria: ICSL Variant Classification Criteria 13 December 2019. Collection method: clinical testing. Allele origin: germline.

Genetic Services Laboratory, University of Chicago
Classification: Uncertain significance. Last evaluated: 2022-11-22. Review status: no assertion criteria provided. Collection method: clinical testing. Allele origin: germline. Affected: no. Not counted in ClinVar's aggregate classification.
Comment: DNA sequence analysis of the FANCA gene demonstrated a sequence change in intron 25, c.2316+9C>T. This change does not appear to have been previously described in individuals with FANCA-related disorders and has also not been described in population databases such as ExAC and gnomAD (dbSNP rs776301232). This sequence change is not predicted to have a deleterious effect on splicing based on in-silico splice prediction programs. It is possible that this sequence change represents a benign sequence change in the FANCA gene that has not been identified to date. The functional significance of this sequence change is not known at present.

NM_000135.4(FANCA):c.2316+9C>T

Gene: FANCA (FA complementation group A; minus strand). Cytogenetic location: 16q24.3.
Variant type: single nucleotide variant.
Coding change: c.2316+9C>T on transcript NM_000135.4 (MANE Select); 9 bases into the intron after coding-DNA position 2316, C replaced by T.
Molecular consequence: intron variant.
Genome position (GRCh38, 1-based): chr16:89,770,157, G>A on the plus strand (C>T on the coding strand, the complement: FANCA is on the minus strand). VCF-style: chr16-89770157-G-A. GRCh37 (hg19) VCF-style: chr16-89836565-G-A.
Other names: c.2316+9C>T (LRG_495t1, NM_001286167.3, NM_000135.3).
Identifiers: ClinVar variation 321348 (VCV000321348.14), dbSNP rs776301232, ClinGen allele CA10644645.